The following is an entry in ClinVar:

ClinVar aggregate classification (germline): Pathogenic (1 of 4 stars; one submission).

Conditions:
Complex neurodevelopmental disorder. Identifiers: Orphanet 528084, MedGen C5568766, MONDO:0100038.

Submission:

GeneDx
Classification: Pathogenic. Last evaluated: 2017-05-25. Review status: criteria provided, single submitter. Criteria: GeneDx Variant Classification (06012015). Collection method: clinical testing. Allele origin: germline. Affected: yes.
Comment: The c.2622_2631del10 deletion in the SCN2A gene causes a frameshift starting with codon Isoleucine 874,changes the amino acid to a Methionine residue and creates a premature Stop codon at position 5 of the newreading frame, denoted p.Ile874MetfsX5. This deletion is predicted to cause loss of normal protein functioneither through protein truncation or mRNA decay. Although this variant has not been reported previously toour knowledge, we consider it to be pathogenic.

NM_001040142.2(SCN2A):c.2622_2631del (p.Ile874fs)

Gene: SCN2A (sodium voltage-gated channel alpha subunit 2; plus strand). Cytogenetic location: 2q24.3.
Variant type: Deletion.
Coding change: c.2622_2631del on transcript NM_001040142.2 (MANE Select); coding-DNA positions 2622 to 2631, 10 bases deleted (TGGCAATTCT; older notation c.2622_2631delTGGCAATTCT).
Protein change: p.Ile874fs; shifts the reading frame from isoleucine 874.
Molecular consequence: frameshift variant.
Genome position (GRCh38, 1-based): chr2:165,344,614-165,344,623, TGGCAATTCT deleted; deleting any 10 consecutive bases within chr2:165,344,613-165,344,623 gives the same sequence; the c. name uses the placement nearest the transcript's 3' end. VCF-style (leftmost placement, unchanged base first): chr2-165344612-ATTGGCAATTC-A. GRCh37 (hg19) VCF-style: chr2-166201122-ATTGGCAATTC-A.
Other names: c.2622_2631del, p.Ile874fs (NM_001040143.2, NM_001371246.1, NM_001371247.1 and 1 more transcripts); c.2622_2631delTGGCAATTCT (NM_021007.2); short protein forms I874fs.
Identifiers: ClinVar variation 419405 (VCV000419405.4), dbSNP rs1064793850, ClinGen allele CA16617265.
Genomic context (GRCh38, chr2:165,344,612, plus strand): 5'-CAGCTCCGAGTTTTCAAGTTGGCAAAATCTTGGCCAACTCTAAATATGCTAATTAAGATC[ATTGGCAATTC>A]TGTGGGGGCTCTAGGAAACCTCACCTTGGTATTGGCCATCATCGTCTTCATTTTTGCTGT-3'